The following is an entry in ClinVar:

NM_014239.4(EIF2B2):c.23G>C (p.Gly8Ala)

Gene: EIF2B2 (eukaryotic translation initiation factor 2B subunit beta; plus strand). Cytogenetic location: 14q24.3.
Variant type: single nucleotide variant.
Coding change: c.23G>C on transcript NM_014239.4 (MANE Select); coding-DNA position 23, G replaced by C.
Protein change: p.Gly8Ala; replaces glycine 8 with alanine.
Molecular consequence: missense variant.
Genome position (GRCh38, 1-based): chr14:75,003,013, G>C. VCF-style: chr14-75003013-G-C. GRCh37 (hg19) VCF-style: chr14-75469716-G-C.
Other names: short protein forms G8A.
Identifiers: ClinVar variation 1411829 (VCV001411829.6), dbSNP rs907307477, ClinGen allele CA390422871.

ClinVar aggregate classification (germline): Uncertain significance (1 of 4 stars; one submission).

Allele frequency attached by ClinVar (database versions not stated): gnomAD exomes below 0.00001.
gnomAD v4.1: 1 of 1,614,156 alleles (0.000062%); highest among the groups gnomAD compares: Admixed American, 0.0017%; no homozygotes.

Submission:

Labcorp Genetics (formerly Invitae), Labcorp
Classification: Uncertain significance. Last evaluated: 2021-08-17. Review status: criteria provided, single submitter. Criteria: Invitae Variant Classification Sherloc (09022015). Collection method: clinical testing. Allele origin: germline.
Comment: In summary, the available evidence is currently insufficient to determine the role of this variant in disease. Therefore, it has been classified as a Variant of Uncertain Significance. Algorithms developed to predict the effect of missense changes on protein structure and function output the following: SIFT: "Tolerated"; PolyPhen-2: "Benign"; Align-GVGD: "Class C0". The alanine amino acid residue is found in multiple mammalian species, which suggests that this missense change does not adversely affect protein function. This variant has not been reported in the literature in individuals affected with EIF2B2-related conditions. This variant is not present in population databases (ExAC no frequency). This sequence change replaces glycine with alanine at codon 8 of the EIF2B2 protein (p.Gly8Ala). The glycine residue is moderately conserved and there is a small physicochemical difference between glycine and alanine.